The following is an entry in ClinVar:

NM_000059.4(BRCA2):c.581G>A (p.Trp194Ter)

Gene: BRCA2 (BRCA2 DNA repair associated; plus strand). Cytogenetic location: 13q13.1.
Variant type: single nucleotide variant.
Coding change: c.581G>A on transcript NM_000059.4 (MANE Select); coding-DNA position 581, G replaced by A.
Protein change: p.Trp194Ter; replaces tryptophan 194 with a stop codon.
Molecular consequence: nonsense.
Genome position (GRCh38, 1-based): chr13:32,326,563, G>A. VCF-style: chr13-32326563-G-A. GRCh37 (hg19) VCF-style: chr13-32900700-G-A.
Other names: 809G>A; short protein forms W194*.
Identifiers: ClinVar variation 51943 (VCV000051943.44), dbSNP rs80358809, ClinGen allele CA023266.

ClinVar aggregate classification (germline): Pathogenic. Review status: reviewed by expert panel (3 of 4 stars). 19 submissions from 19 submitters: Pathogenic (1). 18 of the submissions do not count toward it. Last evaluated 2016-09-08.

Conditions:
BRCA2-related cancer predisposition. Identifiers: MedGen CN377758, MONDO:0700269.
Pancreatic cancer, susceptibility to, 2. Identifiers: Orphanet 1333, MedGen C3150546, MONDO:0013235, OMIM 613347.
Glioma susceptibility 3 (GLM3). Also called: Glioblastoma 3. Identifiers: Orphanet 182067, Orphanet 360, MedGen C2751641, MONDO:0013093, OMIM 613029.
Familial prostate cancer. Also called: Hereditary Prostate Cancer. Identifiers: MedGen C2931456, MONDO:0700275, OMIM 176807.
Breast-ovarian cancer, familial, susceptibility to, 2 (BROVCA2). Also called: BRCA2 Hereditary Breast and Ovarian Cancer. Identifiers: Orphanet 145, MedGen C2675520, MONDO:0012933, OMIM 612555. Disease mechanism: loss of function.
Fanconi anemia complementation group D1. Also called: BRCA2-Related Fanconi Anemia. Identifiers: Orphanet 319462, MedGen C1838457, MONDO:0011584, OMIM 605724.
Medulloblastoma (MDB). Also called: Medulloblastoma, somatic; MEDULLOBLASTOMA PREDISPOSITION SYNDROME. Identifiers: Orphanet 616, MedGen C0025149, MeSH D008527, MONDO:0007959, OMIM 155255, HP:0002885.
Wilms tumor 1 (WT1). Also called: Wilms tumor, somatic. Identifiers: Orphanet 654, MedGen CN033288, MONDO:0008679, OMIM 194070.
Familial cancer of breast. Also called: BREAST CANCER, FAMILIAL; hereditary breast carcinoma; Hereditary breast cancer. Identifiers: Orphanet 227535, MedGen C0346153, MONDO:0016419, OMIM 114480. Disease mechanism: loss of function.
Prostate cancer. Also called: Malignant tumor of prostate. Identifiers: Orphanet 1331, MedGen C0376358, MONDO:0008315, HP:0012125.
Breast and/or ovarian cancer. Identifiers: MedGen CN221562.
Hereditary cancer-predisposing syndrome. Also called: Neoplastic Syndromes, Hereditary; Tumor predisposition; Hereditary Cancer Syndrome; Hereditary neoplastic syndrome. Identifiers: Orphanet 140162, MedGen C0027672, MeSH D009386, MONDO:0015356.
Hereditary breast ovarian cancer syndrome. Also called: Breast and ovarian cancer; Hereditary breast and ovarian cancer; Hereditary breast and ovarian cancer syndrome (HBOC); Hereditary breast and ovarian cancer syndrome; BRCA1- and BRCA2-Associated Hereditary Breast and Ovarian Cancer; Hereditary breast and/or ovarian cancer syndrome. Identifiers: Orphanet 145, MedGen C0677776, MeSH D061325, MONDO:0003582. Disease mechanism: loss of function.

Submissions 1 to 9 of 19:

Evidence-based Network for the Interpretation of Germline Mutant Alleles (ENIGMA)
Classification: Pathogenic for Breast-ovarian cancer, familial, susceptibility to, 2. Last evaluated: 2016-09-08. Review status: reviewed by expert panel. Criteria: ENIGMA BRCA1/2 Classification Criteria (2015). Collection method: curation. Allele origin: germline.
Comment: Variant allele predicted to encode a truncated non-functional protein.

Dasa
Classification: Pathogenic for Breast-ovarian cancer, familial, susceptibility to, 2. Last evaluated: 2025-05-26. Review status: criteria provided, single submitter. Criteria: DASA Assertion Criteria. Collection method: clinical testing. Allele origin: germline. Not counted in ClinVar's aggregate classification.
Comment: NM_000059.4(BRCA2):c.581G>A (p.Trp194*) introduces a premature termination codon predicted to result in loss of normal protein function. Loss-of-function is an established mechanism of disease for this gene. The affected residue or protein region has prior evidence supporting clinical relevance. This variant has been recurrently observed in individuals with Breast-ovarian cancer, familial, susceptibility to, 2 (PMID: 31060517; PMID: 26577449). The variant is present at low frequency in population datasets. Based on the available data, this variant is classified as pathogenic.

Revvity Omics, Revvity
Classification: Pathogenic. Last evaluated: 2025-05-02. Review status: criteria provided, single submitter. Criteria: ACMG Guidelines, 2015. Collection method: clinical testing. Allele origin: germline. Not counted in ClinVar's aggregate classification.

Mayo Clinic Laboratories, Mayo Clinic
Classification: Pathogenic. Last evaluated: 2025-04-28. Review status: criteria provided, single submitter. Criteria: ACMG Guidelines, 2015. Collection method: clinical testing. Allele origin: germline. Observed: 3 variant alleles. Not counted in ClinVar's aggregate classification.
Comment: PM2_supporting, PM5_strong, PVS1

ARUP Laboratories, Molecular Genetics and Genomics, ARUP Laboratories
Classification: Pathogenic. Last evaluated: 2025-04-24. Review status: criteria provided, single submitter. Criteria: ARUP Molecular Germline Variant Investigation Process 2024. Collection method: clinical testing. Allele origin: germline. Not counted in ClinVar's aggregate classification.
Comment: The BRCA2 c.581G>A; p.Trp194Ter variant (rs80358809) has been reported in the literature in a family affected with breast cancer (Couch 1996). This variant is also reported in ClinVar (Variation ID: 51943), and is classified as pathogenic by the evidence-based network for the interpretation of germline mutant alleles (ENIGMA) expert panel (see link to ENIGMA consortium classification criteria). This variant is absent from the Genome Aggregation Database, indicating it is not a common polymorphism. This variant introduces an early termination codon and is predicted to result in a truncated protein or mRNA that is subject to nonsense-mediated decay. In vitro functional assays show the variant causes exon 7 skipping (Biswas 2011, Di Giacomo 2013), alters BRCA1 nuclear localization and has reduced p53 phosphorylation (Loke 2015). Based on available information, this variant is considered to be pathogenic. References: Link to ENIGMA classification criteria: Biswas K et al. A comprehensive functional characterization of BRCA2 variants associated with Fanconi anemia using mouse ES cell-based assay. Blood. 2011 Sep 1;118(9):2430-42. PMID: 21719596. Couch FJ et al. BRCA2 germline mutations in male breast cancer cases and breast cancer families. Nat Genet. 1996 May;13(1):123-5. PMID: 8673091. Di Giacomo D et al. Functional analysis of a large set of BRCA2 exon 7 variants highlights the predictive value of hexamer scores in detecting alterations of exonic splicing regulatory elements. Hum Mutat. 2013 Nov;34(11):1547-57. PMID: 23983145. Loke J et al. Functional variant analyses (FVAs) predict pathogenicity in the BRCA1 DNA double-strand break repair pathway. Hum Mol Genet. 2015 Jun 1;24(11):3030-7. PMID: 25652403.

Ambry Genetics
Classification: Pathogenic for Hereditary cancer-predisposing syndrome. Last evaluated: 2024-02-20. Review status: criteria provided, single submitter. Criteria: Ambry Variant Classification Scheme 2023. Collection method: clinical testing. Allele origin: germline. Not counted in ClinVar's aggregate classification.
Comment: The p.W194* pathogenic mutation (also known as c.581G>A), located in coding exon 6 of the BRCA2 gene, results from a G to A substitution at nucleotide position 581. This changes the amino acid from a tryptophan to a stop codon within coding exon 6. This alteration has been detected in a familial breast cancer kindred and shown increase exon skipping in vitro (Couch FJ et al. Nat. Genet., 1996 May;13:123-5; Di Giacomo D et al. Hum. Mutat., 2013 Nov;34:1547-57; Biswas K et al. Blood, 2011 Sep;118:2430-42). Of note, this alteration is also known as 809G>A and Trp194X in published literature. In addition to the clinical data presented in the literature, this alteration is expected to result in loss of function by premature protein truncation or nonsense-mediated mRNA decay. As such, this alteration is interpreted as a disease-causing mutation.

Labcorp Genetics (formerly Invitae), Labcorp
Classification: Pathogenic for Hereditary breast ovarian cancer syndrome. Last evaluated: 2023-04-22. Review status: criteria provided, single submitter. Criteria: Invitae Variant Classification Sherloc (09022015). Collection method: clinical testing. Allele origin: germline. Not counted in ClinVar's aggregate classification.
Comment: For these reasons, this variant has been classified as Pathogenic. Studies have shown that this premature translational stop signal is associated with altered splicing resulting in unknown protein product impact (Invitae). ClinVar contains an entry for this variant (Variation ID: 51943). This premature translational stop signal has been observed in individual(s) with breast cancer (PMID: 8673091, 26577449). This variant is not present in population databases (gnomAD no frequency). This sequence change creates a premature translational stop signal (p.Trp194*) in the BRCA2 gene. It is expected to result in an absent or disrupted protein product. Loss-of-function variants in BRCA2 are known to be pathogenic (PMID: 20104584).

CHEO Genetics Diagnostic Laboratory, Children's Hospital of Eastern Ontario
Classification: Pathogenic for Breast and/or ovarian cancer. Last evaluated: 2022-05-10. Review status: criteria provided, single submitter. Criteria: ACMG Guidelines, 2015. Collection method: clinical testing. Allele origin: germline. Not counted in ClinVar's aggregate classification.

Fulgent Genetics
Classification: Pathogenic for Familial cancer of breast; Medulloblastoma; Familial prostate cancer; Wilms tumor 1; Fanconi anemia complementation group D1; Breast-ovarian cancer, familial, susceptibility to, 2; Glioma susceptibility 3; Pancreatic cancer, susceptibility to, 2. Last evaluated: 2021-12-01. Review status: criteria provided, single submitter. Criteria: ACMG Guidelines, 2015. Collection method: clinical testing. Allele origin: unknown. Not counted in ClinVar's aggregate classification.